The following is an entry in ClinVar:

NM_001183.6(ATP6AP1):c.1217A>T (p.Asn406Ile)

Gene: ATP6AP1 (ATPase H+ transporting accessory protein 1; plus strand). Cytogenetic location: Xq28.
Variant type: single nucleotide variant.
Coding change: c.1217A>T on transcript NM_001183.6 (MANE Select); coding-DNA position 1217, A replaced by T.
Protein change: p.Asn406Ile; replaces asparagine 406 with isoleucine.
Molecular consequence: missense variant.
Genome position (GRCh38, 1-based): chrX:154,435,695, A>T. VCF-style: chrX-154435695-A-T. GRCh37 (hg19) VCF-style: chrX-153664041-A-T.
Other names: short protein forms N406I.
Identifiers: ClinVar variation 3724428 (VCV003724428.2).

ClinVar aggregate classification (germline): Uncertain significance (1 of 4 stars; one submission).

Submission:

Labcorp Genetics (formerly Invitae), Labcorp
Classification: Uncertain significance. Last evaluated: 2024-10-20. Review status: criteria provided, single submitter. Criteria: Invitae Variant Classification Sherloc (09022015). Collection method: clinical testing. Allele origin: germline.
Comment: This sequence change replaces asparagine, which is neutral and polar, with isoleucine, which is neutral and non-polar, at codon 406 of the ATP6AP1 protein (p.Asn406Ile). This variant is not present in population databases (gnomAD no frequency). This variant has not been reported in the literature in individuals affected with ATP6AP1-related conditions. Invitae Evidence Modeling of protein sequence and biophysical properties (such as structural, functional, and spatial information, amino acid conservation, physicochemical variation, residue mobility, and thermodynamic stability) indicates that this missense variant is expected to disrupt ATP6AP1 protein function with a positive predictive value of 80%. In summary, the available evidence is currently insufficient to determine the role of this variant in disease. Therefore, it has been classified as a Variant of Uncertain Significance.